The following is an entry in ClinVar:

NM_001113491.2(SEPTIN9):c.396C>T (p.Leu132=)

Gene: SEPTIN9 (septin 9; plus strand). Cytogenetic location: 17q25.3.
Variant type: single nucleotide variant.
Coding change: c.396C>T on transcript NM_001113491.2 (MANE Select); coding-DNA position 396, C replaced by T.
Protein change: p.Leu132=; no amino-acid change (leucine 132 retained).
Molecular consequence: synonymous variant. On other transcripts: 5 prime UTR variant (2).
Genome position (GRCh38, 1-based): chr17:77,402,378, C>T. VCF-style: chr17-77402378-C-T. GRCh37 (hg19) VCF-style: chr17-75398460-C-T.
Other names: c.-97C>T (NM_001113492.2, NM_001113494.1); c.375C>T, p.Leu125= (NM_001113493.2); c.339C>T, p.Leu113= (NM_001293695.2); c.342C>T, p.Leu114= (NM_006640.5).
Identifiers: ClinVar variation 1682598 (VCV001682598.8), dbSNP rs770523824, ClinGen allele CA8793198.

ClinVar aggregate classification (germline): Likely benign. Review status: criteria provided, multiple submitters, no conflicts (2 of 4 stars). 2 submissions from 2 submitters: Likely benign (2). Last evaluated 2026-09-01.

Allele frequency attached by ClinVar (database versions not stated): ExAC 0.00003.
gnomAD v4.1: 10 of 1,611,944 alleles (0.00062%); highest among the groups gnomAD compares: Non-Finnish European, 0.00085%; no homozygotes.

Submissions (2):

CeGaT Center for Human Genetics Tuebingen
Classification: Likely benign. Last evaluated: 2026-09-01. Review status: criteria provided, single submitter. Criteria: CeGaT Center For Human Genetics Tuebingen Variant Classification Criteria Version 2. Collection method: clinical testing. Allele origin: germline. Affected: yes. Observed: 1 variant allele.
Comment: SEPTIN9: BP4, BP7

Labcorp Genetics (formerly Invitae), Labcorp
Classification: Likely benign. Last evaluated: 2024-12-09. Review status: criteria provided, single submitter. Criteria: Invitae Variant Classification Sherloc (09022015). Collection method: clinical testing. Allele origin: germline.